The following is an entry in ClinVar:

NM_014714.4(IFT140):c.398A>C (p.Asp133Ala)

Genes: IFT140 (intraflagellar transport 140; minus strand), LOC105371046 (uncharacterized LOC105371046; plus strand). Cytogenetic location: 16p13.3.
Variant type: single nucleotide variant.
Coding change: c.398A>C on transcript NM_014714.4 (MANE Select); coding-DNA position 398, A replaced by C.
Protein change: p.Asp133Ala; replaces aspartic acid 133 with alanine.
Molecular consequence: missense variant.
Genome position (GRCh38, 1-based): chr16:1,592,560, T>G on the plus strand (A>C on the coding strand, the complement: IFT140 is on the minus strand). VCF-style: chr16-1592560-T-G. GRCh37 (hg19) VCF-style: chr16-1642561-T-G.
Other names: short protein forms D133A.
Identifiers: ClinVar variation 1348061 (VCV001348061.6), dbSNP rs2141916604, ClinGen allele CA394221044.

ClinVar aggregate classification (germline): Uncertain significance (1 of 4 stars; one submission).

Conditions:
Saldino-Mainzer syndrome (SRTD9). Also called: CONORENAL SYNDROME; Renal dysplasia, retinal pigmentary dystrophy, cerebellar ataxia and skeletal dysplasia; SHORT-RIB THORACIC DYSPLASIA 9 WITHOUT POLYDACTYLY; short-rib thoracic dysplasia 9 with or without polydactyly. Identifiers: Orphanet 140969, MedGen C1849437, MONDO:0009964, OMIM 266920.

Allele frequency attached by ClinVar (database versions not stated): gnomAD exomes below 0.00001.
gnomAD v4.1: 1 of 1,614,180 alleles (0.000062%); highest among the groups gnomAD compares: Non-Finnish European, 0.000085%; no homozygotes.

Submission:

Labcorp Genetics (formerly Invitae), Labcorp
Classification: Uncertain significance for Saldino-Mainzer syndrome. Last evaluated: 2025-04-17. Review status: criteria provided, single submitter. Criteria: Invitae Variant Classification Sherloc (09022015). Collection method: clinical testing. Allele origin: germline.
Comment: This sequence change replaces aspartic acid, which is acidic and polar, with alanine, which is neutral and non-polar, at codon 133 of the IFT140 protein (p.Asp133Ala). This variant is not present in population databases (gnomAD no frequency). This missense change has been observed in individual(s) with retinitis pigmentosa (internal data). In at least one individual the data is consistent with being in trans (on the opposite chromosome) from a pathogenic variant. ClinVar contains an entry for this variant (Variation ID: 1348061). Invitae Evidence Modeling of protein sequence and biophysical properties (such as structural, functional, and spatial information, amino acid conservation, physicochemical variation, residue mobility, and thermodynamic stability) has been performed for this missense variant. However, the output from this modeling did not meet the statistical confidence thresholds required to predict the impact of this variant on IFT140 protein function. In summary, the available evidence is currently insufficient to determine the role of this variant in disease. Therefore, it has been classified as a Variant of Uncertain Significance.